The following is an entry in ClinVar:

NM_002206.3(ITGA7):c.2336A>C (p.Glu779Ala)

Genes: ITGA7 (integrin subunit alpha 7; minus strand), LOC126861535 (CDK7 strongly-dependent group 2 enhancer GRCh37_chr12:56087579-56088778; plus strand). Cytogenetic location: 12q13.2.
Variant type: single nucleotide variant.
Coding change: c.2336A>C on transcript NM_002206.3 (MANE Select); coding-DNA position 2336, A replaced by C.
Protein change: p.Glu779Ala; replaces glutamic acid 779 with alanine.
Molecular consequence: missense variant.
Genome position (GRCh38, 1-based): chr12:55,694,464, T>G on the plus strand (A>C on the coding strand, the complement: ITGA7 is on the minus strand). VCF-style: chr12-55694464-T-G. GRCh37 (hg19) VCF-style: chr12-56088248-T-G.
Other names: c.2348A>C, p.Glu783Ala (NM_001144996.2); c.2057A>C, p.Glu686Ala (NM_001144997.2); c.2009A>C, p.Glu670Ala (NM_001367993.1); c.992A>C, p.Glu331Ala (NM_001367994.1); c.2318A>C, p.Glu773Ala (NM_001374465.1); c.2468A>C, p.Glu823Ala (NM_001410977.1); c.2330A>C, p.Glu777Ala (NM_001414029.1); c.2261A>C, p.Glu754Ala (NM_001414030.1); and 5 more; short protein forms E666A, E670A, E823A, E704A, E750A, E773A, E718A, E777A.
Identifiers: ClinVar variation 2100713 (VCV002100713.4), dbSNP rs765816850, ClinGen allele CA6615651.

ClinVar aggregate classification (germline): Uncertain significance (1 of 4 stars; one submission).

Conditions:
Congenital muscular dystrophy due to integrin alpha-7 deficiency. Also called: Congenital muscular dystrophy with integrin alpha-7 deficiency; Muscular dystrophy, congenital, due to ITGA7 deficiency; MYOPATHY, CONGENITAL, DUE TO INTEGRIN ALPHA-7 DEFICIENCY. Identifiers: Orphanet 34520, MedGen C2750786, MONDO:0013177, OMIM 613204.

Allele frequency attached by ClinVar (database versions not stated): ExAC 0.00001.

Submission:

Labcorp Genetics (formerly Invitae), Labcorp
Classification: Uncertain significance for Congenital muscular dystrophy due to integrin alpha-7 deficiency. Last evaluated: 2023-10-03. Review status: criteria provided, single submitter. Criteria: Invitae Variant Classification Sherloc (09022015). Collection method: clinical testing. Allele origin: germline.
Comment: This sequence change replaces glutamic acid, which is acidic and polar, with alanine, which is neutral and non-polar, at codon 779 of the ITGA7 protein (p.Glu779Ala). This variant is present in population databases (rs765816850, gnomAD 0.0009%). This variant has not been reported in the literature in individuals affected with ITGA7-related conditions. ClinVar contains an entry for this variant (Variation ID: 2100713). Advanced modeling of protein sequence and biophysical properties (such as structural, functional, and spatial information, amino acid conservation, physicochemical variation, residue mobility, and thermodynamic stability) performed at Invitae indicates that this missense variant is not expected to disrupt ITGA7 protein function. Algorithms developed to predict the effect of sequence changes on RNA splicing suggest that this variant may disrupt the consensus splice site. In summary, the available evidence is currently insufficient to determine the role of this variant in disease. Therefore, it has been classified as a Variant of Uncertain Significance.